The following is an entry in ClinVar:

NM_000138.5(FBN1):c.949C>T (p.Pro317Ser)

Gene: FBN1 (fibrillin 1; minus strand). Cytogenetic location: 15q21.1.
Variant type: single nucleotide variant.
Coding change: c.949C>T on transcript NM_000138.5 (MANE Select); coding-DNA position 949, C replaced by T.
Protein change: p.Pro317Ser; replaces proline 317 with serine.
Molecular consequence: missense variant.
Genome position (GRCh38, 1-based): chr15:48,526,169, G>A on the plus strand (C>T on the coding strand, the complement: FBN1 is on the minus strand). VCF-style: chr15-48526169-G-A. GRCh37 (hg19) VCF-style: chr15-48818366-G-A.
Other names: short protein forms P317S.
Identifiers: ClinVar variation 927796 (VCV000927796.4), dbSNP rs764470069, ClinGen allele CA060391.

ClinVar aggregate classification (germline): Uncertain significance (1 of 4 stars; one submission).

Conditions:
Familial thoracic aortic aneurysm and aortic dissection (TAAD). Also called: Thoracic aortic aneurysms and dissections. Identifiers: Orphanet 91387, MedGen C4707243, MONDO:0019625.

Allele frequency attached by ClinVar (database versions not stated): gnomAD exomes below 0.00001; ExAC 0.00001.
gnomAD v4.1: 1 of 1,614,014 alleles (0.000062%); highest among the groups gnomAD compares: Non-Finnish European, 0.000085%; no homozygotes.

Submission:

Color Diagnostics, LLC DBA Color Health
Classification: Uncertain significance for Familial thoracic aortic aneurysm and aortic dissection. Last evaluated: 2024-03-06. Review status: criteria provided, single submitter. Criteria: ACMG Guidelines, 2015. Collection method: clinical testing. Allele origin: germline.
Comment: This missense variant replaces proline with serine at codon 317 of the FBN1 protein. Computational prediction tool suggests that this variant may not impact protein structure and function (internally defined REVEL score threshold <=0.5, PMID: 27666373). Splice site prediction tools suggest that this variant may not impact RNA splicing. To our knowledge, functional studies have not been performed for this variant. This variant has not been reported in individuals affected with cardiovascular disorders in the literature. This variant has been identified in 1/251424 chromosomes in the general population by the Genome Aggregation Database (gnomAD). The available evidence is insufficient to determine the role of this variant in disease conclusively. Therefore, this variant is classified as a Variant of Uncertain Significance.